The following is an entry in ClinVar:

ClinVar aggregate classification (germline): Uncertain significance. Review status: criteria provided, multiple submitters, no conflicts (2 of 4 stars). 8 submissions from 6 submitters: Uncertain significance (8). Last evaluated 2025-12-29.

Conditions:
Hypertrophic cardiomyopathy 2. Also called: TNNT2-Related Familial Hypertrophic Cardiomyopathy. Identifiers: MedGen C1861864, MONDO:0007266, OMIM 115195.
Dilated cardiomyopathy 1D. Identifiers: Orphanet 154, Orphanet 54260, MedGen C1832243, MONDO:0011095, OMIM 601494.
Cardiomyopathy, familial restrictive, 3. Identifiers: Orphanet 75249, MedGen C2676271, MONDO:0012900, OMIM 612422.
Cardiovascular phenotype. Identifiers: MedGen CN230736.
Cardiomyopathy (CMYO). Also called: Cardiomyopathies. Identifiers: Orphanet 167848, MedGen C0878544, MONDO:0004994, HP:0001638. Inheritance: Various modes of inheritance.

Allele frequency attached by ClinVar (database versions not stated): gnomAD exomes below 0.00001; TOPMed 0.00001; gnomAD 0.00003.
gnomAD v4.1: 5 of 1,614,102 alleles (0.00031%); highest among the groups gnomAD compares: African/African-American, 0.0053%; no homozygotes.

Submissions (8):

Labcorp Genetics (formerly Invitae), Labcorp
Classification: Uncertain significance for Cardiomyopathy, familial restrictive, 3; Hypertrophic cardiomyopathy 2; Dilated cardiomyopathy 1D. Last evaluated: 2025-12-29. Review status: criteria provided, single submitter. Criteria: Invitae Variant Classification Sherloc (09022015). Collection method: clinical testing. Allele origin: germline.
Comment: This sequence change replaces isoleucine, which is neutral and non-polar, with valine, which is neutral and non-polar, at codon 221 of the TNNT2 protein (p.Ile221Val). This variant is present in population databases (no rsID available, gnomAD 0.02%). This variant has not been reported in the literature in individuals affected with TNNT2-related conditions. ClinVar contains an entry for this variant (Variation ID: 294895). Invitae Evidence Modeling of protein sequence and biophysical properties (such as structural, functional, and spatial information, amino acid conservation, physicochemical variation, residue mobility, and thermodynamic stability) indicates that this missense variant is not expected to disrupt TNNT2 protein function with a negative predictive value of 80%. In summary, the available evidence is currently insufficient to determine the role of this variant in disease. Therefore, it has been classified as a Variant of Uncertain Significance.

Mayo Clinic Laboratories, Mayo Clinic
Classification: Uncertain significance. Last evaluated: 2024-06-18. Review status: criteria provided, single submitter. Criteria: ACMG Guidelines, 2015. Collection method: clinical testing. Allele origin: germline. Observed: 1 variant allele.

Color Diagnostics, LLC DBA Color Health
Classification: Uncertain significance for Cardiomyopathy. Last evaluated: 2024-03-06. Review status: criteria provided, single submitter. Criteria: ACMG Guidelines, 2015. Collection method: clinical testing. Allele origin: germline.
Comment: This missense variant replaces isoleucine with valine at codon 221 of the TNNT2 protein. Computational prediction suggests that this variant may not impact protein structure and function (internally defined REVEL score threshold <= 0.5, PMID: 27666373). To our knowledge, functional studies have not been reported for this variant. This variant has not been reported in individuals affected with TNNT2-related disorders in the literature. This variant has been identified in 2/31394 chromosomes in the general population by the Genome Aggregation Database (gnomAD). The available evidence is insufficient to determine the role of this variant in disease conclusively. Therefore, this variant is classified as a Variant of Uncertain Significance.

All of Us Research Program, National Institutes of Health
Classification: Uncertain significance for Cardiomyopathy. Last evaluated: 2024-02-22. Review status: criteria provided, single submitter. Criteria: ACMG Guidelines, 2015. Collection method: clinical testing. Allele origin: germline. Inheritance: Autosomal dominant inheritance. Observed: 1 variant allele, 1 heterozygote.
Comment: This missense variant replaces isoleucine with valine at codon 221 of the TNNT2 protein. Computational prediction suggests that this variant may not impact protein structure and function (internally defined REVEL score threshold <= 0.5, PMID: 27666373). To our knowledge, functional studies have not been reported for this variant. This variant has not been reported in individuals affected with TNNT2-related disorders in the literature. This variant has been identified in 2/31394 chromosomes in the general population by the Genome Aggregation Database (gnomAD). The available evidence is insufficient to determine the role of this variant in disease conclusively. Therefore, this variant is classified as a Variant of Uncertain Significance.

This study involves interpretation of variants in research participants for the purpose of population health screening. Participant phenotype was not available at the time of variant classification. Additional details can be found in publication PMID: 35346344, PMCID: PMC8962531

Ambry Genetics
Classification: Uncertain significance for Cardiovascular phenotype. Last evaluated: 2023-06-23. Review status: criteria provided, single submitter. Criteria: Ambry Variant Classification Scheme 2023. Collection method: clinical testing. Allele origin: germline.
Comment: The p.I221V variant (also known as c.661A>G), located in coding exon 12 of the TNNT2 gene, results from an A to G substitution at nucleotide position 661. The isoleucine at codon 221 is replaced by valine, an amino acid with highly similar properties. This amino acid position is conserved. In addition, the in silico prediction for this alteration is inconclusive. Since supporting evidence is limited at this time, the clinical significance of this alteration remains unclear.

Genome-Nilou Lab
Classification: Uncertain significance for Dilated cardiomyopathy 1D. Last evaluated: 2023-04-11. Review status: criteria provided, single submitter. Criteria: ACMG Guidelines, 2015. Collection method: clinical testing. Allele origin: germline. Affected: no.

Genome-Nilou Lab
Classification: Uncertain significance for Cardiomyopathy, familial restrictive, 3. Last evaluated: 2023-04-11. Review status: criteria provided, single submitter. Criteria: ACMG Guidelines, 2015. Collection method: clinical testing. Allele origin: germline. Affected: no.

Genome-Nilou Lab
Classification: Uncertain significance for Hypertrophic cardiomyopathy 2. Last evaluated: 2023-04-11. Review status: criteria provided, single submitter. Criteria: ACMG Guidelines, 2015. Collection method: clinical testing. Allele origin: germline. Affected: no.

NM_001276345.2(TNNT2):c.691A>G (p.Ile231Val)

Gene: TNNT2 (troponin T2, cardiac type; minus strand). Cytogenetic location: 1q32.1.
Variant type: single nucleotide variant.
Coding change: c.691A>G on transcript NM_001276345.2 (MANE Select); coding-DNA position 691, A replaced by G.
Protein change: p.Ile231Val; replaces isoleucine 231 with valine.
Molecular consequence: missense variant.
Genome position (GRCh38, 1-based): chr1:201,361,941, T>C on the plus strand (A>G on the coding strand, the complement: TNNT2 is on the minus strand). VCF-style: chr1-201361941-T-C. GRCh37 (hg19) VCF-style: chr1-201331069-T-C.
Other names: p.Ile221Val; c.682A>G, p.Ile228Val (NM_000364.4); c.661A>G, p.Ile221Val (NM_001001430.3, NM_001276347.2); c.652A>G, p.Ile218Val (NM_001001431.3); c.643A>G, p.Ile215Val (NM_001001432.3); c.562A>G, p.Ile188Val (NM_001276346.2); c.661A>G (NM_001001430.1); short protein forms I228V, I221V, I218V, I231V, I188V, I215V.
Identifiers: ClinVar variation 294895 (VCV000294895.19), dbSNP rs886045828, ClinGen allele CA10608827.
Genomic context (GRCh38, chr1:201,361,941, plus strand): 5'-AGTGCCCCAGGACCATTCCTCCCAGCCCCCACCTCAGCTGATCTTCATTCAGGTGGTCAA[T>C]GGCCAGCACCTTCCTCCTCTCAGCCAGAATCTTCTTCTTCTTTTCCCGCTCAGTCTGCCT-3'
Protein context (NP_001263274.1, residues 221-241): ILAERRKVLA[Ile231Val]DHLNEDQLRE